The following is an entry in ClinVar:

ClinVar aggregate classification (germline): Conflicting classifications of pathogenicity. Review status: criteria provided, conflicting classifications (1 of 4 stars). 13 submissions from 13 submitters: Uncertain significance (2); Benign (1); Likely benign (5). 5 of the submissions do not count toward it. Last evaluated 2025-12-08.

Conditions:
Breast and/or ovarian cancer. Identifiers: MedGen CN221562.
Hereditary cancer-predisposing syndrome. Also called: Tumor predisposition; Neoplastic Syndromes, Hereditary; Hereditary neoplastic syndrome; Hereditary Cancer Syndrome. Identifiers: Orphanet 140162, MedGen C0027672, MeSH D009386, MONDO:0015356.
Hereditary breast ovarian cancer syndrome. Also called: Hereditary breast and ovarian cancer; Hereditary breast and ovarian cancer syndrome (HBOC); Hereditary breast and/or ovarian cancer syndrome; Breast and ovarian cancer; Hereditary breast and ovarian cancer syndrome; BRCA1- and BRCA2-Associated Hereditary Breast and Ovarian Cancer. Identifiers: Orphanet 145, MedGen C0677776, MeSH D061325, MONDO:0003582. Disease mechanism: loss of function.
Breast-ovarian cancer, familial, susceptibility to, 2 (BROVCA2). Also called: BRCA2 Hereditary Breast and Ovarian Cancer. Identifiers: Orphanet 145, MedGen C2675520, MONDO:0012933, OMIM 612555. Disease mechanism: loss of function.

Allele frequency attached by ClinVar (database versions not stated): ExAC 0.00001; gnomAD 0.00001; gnomAD exomes 0.00001; TOPMed 0.00001.
gnomAD v4.1: 23 of 1,613,720 alleles (0.0014%); highest among the groups gnomAD compares: Non-Finnish European, 0.0019%; no homozygotes.

Submissions (13):

Labcorp Genetics (formerly Invitae), Labcorp
Classification: Likely benign for Hereditary breast ovarian cancer syndrome. Last evaluated: 2025-12-08. Review status: criteria provided, single submitter. Criteria: Invitae Variant Classification Sherloc (09022015). Collection method: clinical testing. Allele origin: germline.

Quest Diagnostics Nichols Institute San Juan Capistrano
Classification: Uncertain significance. Last evaluated: 2025-08-18. Review status: criteria provided, single submitter. Criteria: Quest Diagnostics criteria. Collection method: clinical testing. Allele origin: unknown.
Comment: The BRCA2 c.5723T>C (p.Leu1908Pro) variant has been reported in the published literature in individuals with breast cancer (PMID: 33471991 (2021), see also LOVD), cutaneous melanoma (PMID: 31464824 (2019)), and non-mucinous ovarian carcinoma (PMID: 22711857 (2012)). This variant has also been identified in a reportedly unaffected individual (PMID: 33471991 (2021), see also LOVD). This variant is reported to be located in a region of the BRCA2 gene that is tolerant to missense sequence changes (PMID: 31911673 (2020)). The frequency of this variant in the general population (Genome Aggregation Database) is uninformative in the assessment of its pathogenicity. Analysis of this variant using bioinformatics tools for the prediction of the effect of amino acid changes on protein structure and function yielded predictions that this variant is benign. Based on the available information, we are unable to determine the clinical significance of this variant.

Women's Health and Genetics/Laboratory Corporation of America, LabCorp
Classification: Likely benign. Last evaluated: 2025-06-27. Review status: criteria provided, single submitter. Criteria: LabCorp Variant Classification Summary - May 2015. Collection method: clinical testing. Allele origin: germline.
Comment: Variant summary: BRCA2 c.5723T>C (p.Leu1908Pro) results in a non-conservative amino acid change in the encoded protein sequence. Algorithms developed to predict the effect of missense changes on protein structure and function are either unavailable or do not agree on the potential impact of this missense change. The variant allele was found at a frequency of 8e-06 in 250898 control chromosomes. The available data on variant occurrences in the general population are insufficient to allow any conclusion about variant significance. c.5723T>C has been reported in the literature in individuals affected with Cutaneous Melanoma and Ovarian Cancer Syndrome without strong evidence for causality (Alsop_2012 and Johansson_2019). These reports do not provide unequivocal conclusions about association of the variant with Hereditary Breast And Ovarian Cancer Syndrome. However, at-least one instance of an apparently homozygous genotype in an individual with no features or family history of Fanconi Anemia has been observed at our laboratory, thereby supporting a non-actionable/benign outcome for this variant. To our knowledge, no experimental evidence demonstrating an impact on protein function has been reported. The following publications have been ascertained in the context of this evaluation (PMID: 22711857, 31464824). ClinVar contains an entry for this variant (Variation ID: 37991). Based on the evidence outlined above, the variant was classified as likely benign.

University of Washington Department of Laboratory Medicine, University of Washington
Classification: Likely benign for Hereditary cancer-predisposing syndrome. Last evaluated: 2023-03-23. Review status: criteria provided, single submitter. Criteria: Dines et al. (Genet Med. 2020). Collection method: curation. Allele origin: germline.
Comment: Missense variant in a coldspot region where missense variants are very unlikely to be pathogenic (PMID:31911673).

BRCA2 exon 11 coldspot. Reclassification based on statistical prior probability.

GeneDx
Classification: Likely benign. Last evaluated: 2020-11-24. Review status: criteria provided, single submitter. Criteria: GeneDx Variant Classification Process June 2021. Collection method: clinical testing. Allele origin: germline. Affected: yes.
Comment: This variant is associated with the following publications: (PMID: 22711857)

CHEO Genetics Diagnostic Laboratory, Children's Hospital of Eastern Ontario
Classification: Uncertain significance for Breast and/or ovarian cancer. Last evaluated: 2019-11-04. Review status: criteria provided, single submitter. Criteria: ACMG Guidelines, 2015. Collection method: clinical testing. Allele origin: germline.

Ambry Genetics
Classification: Likely benign for Hereditary cancer-predisposing syndrome. Last evaluated: 2018-01-05. Review status: criteria provided, single submitter. Criteria: Ambry Variant Classification Scheme 2023. Collection method: clinical testing. Allele origin: germline.

Color Diagnostics, LLC DBA Color Health
Classification: Benign for Hereditary cancer-predisposing syndrome. Last evaluated: 2017-02-10. Review status: criteria provided, single submitter. Criteria: ACMG Guidelines, 2015. Collection method: clinical testing. Allele origin: germline.

Counsyl
Classification: Uncertain significance for Breast-ovarian cancer, familial, susceptibility to, 2. Last evaluated: 2016-04-14. Review status: no assertion criteria provided. Collection method: clinical testing. Allele origin: unknown. Not counted in ClinVar's aggregate classification.

Sharing Clinical Reports Project (SCRP)
Classification: Benign for Breast-ovarian cancer, familial 2. Last evaluated: 2012-02-02. Review status: no assertion criteria provided. Collection method: clinical testing. Allele origin: germline. Not counted in ClinVar's aggregate classification.

Breast Cancer Information Core (BIC) (BRCA2)
Classification: Uncertain significance for Breast-ovarian cancer, familial 2. Last evaluated: 2002-05-29. Review status: no assertion criteria provided. Collection method: clinical testing. Allele origin: germline. Affected: yes. Observed: 2 variant alleles. Not counted in ClinVar's aggregate classification.

Clinical Genetics Laboratory, Department of Pathology, Netherlands Cancer Institute
Classification: Likely benign. Review status: no assertion criteria provided. Collection method: clinical testing. Allele origin: germline. Affected: yes. Study: VKGL Data-share Consensus. Not counted in ClinVar's aggregate classification.

Joint Genome Diagnostic Labs from Nijmegen and Maastricht, Radboudumc and MUMC+
Classification: Likely benign. Review status: no assertion criteria provided. Collection method: clinical testing. Allele origin: germline. Affected: yes. Study: VKGL Data-share Consensus. Not counted in ClinVar's aggregate classification.

Literature cited by the submitters: PubMed 33471991 (cited by Quest Diagnostics Nichols Institute San Juan Capistrano); PubMed 31911673 (cited by Quest Diagnostics Nichols Institute San Juan Capistrano); PubMed 31464824 (cited by Quest Diagnostics Nichols Institute San Juan Capistrano and Women's Health and Genetics/Laboratory Corporation of America, LabCorp); PubMed 22711857 (cited by 3 submitters).

NM_000059.4(BRCA2):c.5723T>C (p.Leu1908Pro)

Gene: BRCA2 (BRCA2 DNA repair associated; plus strand). Cytogenetic location: 13q13.1.
Variant type: single nucleotide variant.
Coding change: c.5723T>C on transcript NM_000059.4 (MANE Select); coding-DNA position 5723, T replaced by C.
Protein change: p.Leu1908Pro; replaces leucine 1908 with proline.
Molecular consequence: missense variant.
Genome position (GRCh38, 1-based): chr13:32,340,078, T>C. VCF-style: chr13-32340078-T-C. GRCh37 (hg19) VCF-style: chr13-32914215-T-C.
Other names: 5951T>C; short protein forms L1908P.
Identifiers: ClinVar variation 37991 (VCV000037991.29), dbSNP rs80358797, ClinGen allele CA023052.